The following is an entry in ClinVar:

ClinVar aggregate classification (germline): Likely benign. Review status: criteria provided, multiple submitters, no conflicts (2 of 4 stars). 4 submissions from 4 submitters: Likely benign (3). 1 of the submissions does not count toward it. Last evaluated 2024-10-16.

Conditions:
Aortic aneurysm, familial thoracic 7 (AAT7). Also called: AORTIC DISSECTION, FAMILIAL, WITH OR WITHOUT AORTIC ANEURYSM. Identifiers: MedGen C3151077, MONDO:0013418, OMIM 613780.
MYLK-related disorder. Also called: MYLK-related condition.
Connective tissue disorder. Also called: Connective tissue disease. Identifiers: MedGen C0009782, MONDO:0003900.
Familial thoracic aortic aneurysm and aortic dissection (TAAD). Also called: Thoracic aortic aneurysms and dissections. Identifiers: Orphanet 91387, MedGen C4707243, MONDO:0019625.

Allele frequency attached by ClinVar (database versions not stated): gnomAD 0.00001; TOPMed 0.00001; gnomAD exomes 0.00002.
gnomAD v4.1: 23 of 1,614,062 alleles (0.0014%); highest among the groups gnomAD compares: Non-Finnish European, 0.0019%; no homozygotes.

Submissions (4):

Labcorp Genetics (formerly Invitae), Labcorp
Classification: Likely benign for Aortic aneurysm, familial thoracic 7. Last evaluated: 2024-10-16. Review status: criteria provided, single submitter. Criteria: Invitae Variant Classification Sherloc (09022015). Collection method: clinical testing. Allele origin: germline.

Ambry Genetics
Classification: Likely benign for Familial thoracic aortic aneurysm and aortic dissection. Last evaluated: 2024-04-13. Review status: criteria provided, single submitter. Criteria: Ambry Variant Classification Scheme 2023. Collection method: clinical testing. Allele origin: germline.

Center for Human Genetics, Inc
Classification: Likely benign for Connective tissue disorder. Last evaluated: 2016-11-01. Review status: criteria provided, single submitter. Criteria: ACMG Guidelines, 2015. Collection method: clinical testing. Allele origin: germline. Affected: yes.

PreventionGenetics, part of Exact Sciences
Classification: Likely benign for MYLK-related condition. Last evaluated: 2022-07-14. Review status: no assertion criteria provided. Collection method: clinical testing. Allele origin: germline. Not counted in ClinVar's aggregate classification.
Comment: This variant is classified as likely benign based on ACMG/AMP sequence variant interpretation guidelines (Richards et al. 2015 PMID: 25741868, with internal and published modifications).

NM_053025.4(MYLK):c.672C>T (p.Asn224=)

Gene: MYLK (myosin light chain kinase; minus strand). Cytogenetic location: 3q21.1.
Variant type: single nucleotide variant.
Coding change: c.672C>T on transcript NM_053025.4 (MANE Select); coding-DNA position 672, C replaced by T.
Protein change: p.Asn224=; no amino-acid change (asparagine 224 retained).
Molecular consequence: synonymous variant.
Genome position (GRCh38, 1-based): chr3:123,737,460, G>A on the plus strand (C>T on the coding strand, the complement: MYLK is on the minus strand). VCF-style: chr3-123737460-G-A. GRCh37 (hg19) VCF-style: chr3-123456307-G-A.
Other names: c.144C>T, p.Asn48= (NM_001321309.2); c.672C>T, p.Asn224= (NM_053026.4, NM_053027.4, NM_053028.4).
Identifiers: ClinVar variation 547551 (VCV000547551.14), dbSNP rs941148082, ClinGen allele CA82944721.